The following is an entry in ClinVar:

NM_000168.6(GLI3):c.1028+3A>T

Gene: GLI3 (GLI family zinc finger 3; minus strand). Cytogenetic location: 7p14.1.
Variant type: single nucleotide variant.
Coding change: c.1028+3A>T on transcript NM_000168.6 (MANE Select); 3 bases into the intron after coding-DNA position 1028, A replaced by T.
Molecular consequence: intron variant.
Genome position (GRCh38, 1-based): chr7:42,040,035, T>A on the plus strand (A>T on the coding strand, the complement: GLI3 is on the minus strand). VCF-style: chr7-42040035-T-A. GRCh37 (hg19) VCF-style: chr7-42079634-T-A.
Identifiers: ClinVar variation 800161 (VCV000800161.14), dbSNP rs368499795, ClinGen allele CA4230995.

ClinVar aggregate classification (germline): Conflicting classifications of pathogenicity. Review status: criteria provided, conflicting classifications (1 of 4 stars). 3 submissions from 3 submitters: Uncertain significance (1); Likely benign (1). 1 of the submissions does not count toward it. Last evaluated 2023-08-10.

Conditions:
GLI3-related disorder. Also called: GLI3-related disorders; GLI3-related condition. Identifiers: MedGen CN239292.
Pallister-Hall syndrome (PHS). Also called: HYPOTHALAMIC HAMARTOBLASTOMA, HYPOPITUITARISM, IMPERFORATE ANUS, AND POSTAXIAL POLYDACTYLY; GLI3-Related Pallister-Hall Syndrome. Identifiers: Orphanet 672, MedGen C0265220, MONDO:0007804, OMIM 146510.
Greig cephalopolysyndactyly syndrome (GCPS). Also called: POLYSYNDACTYLY WITH PECULIAR SKULL SHAPE; Greig syndrome; GLI3-Related Greig Cephalopolysyndactyly Syndrome. Identifiers: Orphanet 380, MedGen C0265306, MONDO:0008287, OMIM 175700.

Allele frequency attached by ClinVar (database versions not stated): 1000 Genomes Project 30x 0.00031; ESP Exome Variant Server 0.00031; gnomAD exomes 0.00005; TOPMed 0.00017; gnomAD 0.00019 and 0.00021; 1000 Genomes Project 0.00020.
gnomAD v4.1: 52 of 1,603,492 alleles (0.0032%); highest among the groups gnomAD compares: African/African-American, 0.068%; no homozygotes.

Submissions (3):

Labcorp Genetics (formerly Invitae), Labcorp
Classification: Likely benign for Pallister-Hall syndrome; Greig cephalopolysyndactyly syndrome. Last evaluated: 2023-08-10. Review status: criteria provided, single submitter. Criteria: Invitae Variant Classification Sherloc (09022015). Collection method: clinical testing. Allele origin: germline.

Genetic Services Laboratory, University of Chicago
Classification: Uncertain significance. Last evaluated: 2017-12-01. Review status: criteria provided, single submitter. Criteria: ACMG Guidelines, 2015. Collection method: clinical testing. Allele origin: germline. Affected: no.

PreventionGenetics, part of Exact Sciences
Classification: Likely benign for GLI3-related condition. Last evaluated: 2020-10-12. Review status: no assertion criteria provided. Collection method: clinical testing. Allele origin: germline. Not counted in ClinVar's aggregate classification.
Comment: This variant is classified as likely benign based on ACMG/AMP sequence variant interpretation guidelines (Richards et al. 2015 PMID: 25741868, with internal and published modifications).